The following is an entry in ClinVar:

ClinVar aggregate classification (germline): Likely benign. Review status: criteria provided, multiple submitters, no conflicts (2 of 4 stars). 2 submissions from 2 submitters: Likely benign (2). Last evaluated 2025-06-04.

Conditions:
Early-infantile DEE. Also called: Early infantile epileptic encephalopathy; Ohtahara syndrome; Early infantile epileptic encephalopathy with suppression bursts. Identifiers: Orphanet 1934, MedGen C0393706, MONDO:0800491.

Allele frequency attached by ClinVar (database versions not stated): ExAC 0.00001; gnomAD exomes 0.00001; TOPMed 0.00001.
gnomAD v4.1: 10 of 1,613,884 alleles (0.00062%); highest among the groups gnomAD compares: South Asian, 0.0055%; no homozygotes.

Submissions (2):

Labcorp Genetics (formerly Invitae), Labcorp
Classification: Likely benign for Early-infantile DEE. Last evaluated: 2025-06-04. Review status: criteria provided, single submitter. Criteria: Invitae Variant Classification Sherloc (09022015). Collection method: clinical testing. Allele origin: germline.

CeGaT Center for Human Genetics Tuebingen
Classification: Likely benign. Last evaluated: 2023-07-01. Review status: criteria provided, single submitter. Criteria: CeGaT Center For Human Genetics Tuebingen Variant Classification Criteria Version 2. Collection method: clinical testing. Allele origin: germline. Affected: yes. Observed: 1 variant allele.
Comment: SPTAN1: BP4, BP7

NM_001130438.3(SPTAN1):c.7425C>T (p.Phe2475=)

Gene: SPTAN1 (spectrin alpha, non-erythrocytic 1; plus strand). Cytogenetic location: 9q34.11.
Variant type: single nucleotide variant.
Coding change: c.7425C>T on transcript NM_001130438.3 (MANE Select); coding-DNA position 7425, C replaced by T.
Protein change: p.Phe2475=; no amino-acid change (phenylalanine 2475 retained).
Molecular consequence: synonymous variant.
Genome position (GRCh38, 1-based): chr9:128,633,325, C>T. VCF-style: chr9-128633325-C-T. GRCh37 (hg19) VCF-style: chr9-131395604-C-T.
Other names: c.7350C>T, p.Phe2450= (NM_001195532.2); c.7488C>T, p.Phe2496= (NM_001363759.2); c.7365C>T, p.Phe2455= (NM_001363765.2, NM_001375314.2); c.7512C>T, p.Phe2504= (NM_001375310.1); c.7425C>T, p.Phe2475= (NM_001375311.2); c.7461C>T, p.Phe2487= (NM_001375312.2); c.7407C>T, p.Phe2469= (NM_001375313.1); c.7524C>T, p.Phe2508= (NM_001375318.1); and 1 more.
Identifiers: ClinVar variation 2579074 (VCV002579074.27), dbSNP rs780780077, ClinGen allele CA5266109.